The following is an entry in ClinVar:

NM_005535.3(IL12RB1):c.1960G>A (p.Asp654Asn)

Gene: IL12RB1 (interleukin 12 receptor subunit beta 1; minus strand). Cytogenetic location: 19p13.11.
Variant type: single nucleotide variant.
Coding change: c.1960G>A on transcript NM_005535.3 (MANE Select); coding-DNA position 1960, G replaced by A.
Protein change: p.Asp654Asn; replaces aspartic acid 654 with asparagine.
Molecular consequence: missense variant.
Genome position (GRCh38, 1-based): chr19:18,059,917, C>T on the plus strand (G>A on the coding strand, the complement: IL12RB1 is on the minus strand). VCF-style: chr19-18059917-C-T. GRCh37 (hg19) VCF-style: chr19-18170727-C-T.
Other names: c.1960G>A, p.Asp654Asn (NM_001290023.2); c.2080G>A, p.Asp694Asn (NM_001290024.2); short protein forms D654N, D694N.
Identifiers: ClinVar variation 328574 (VCV000328574.15), dbSNP rs202106699, ClinGen allele CA9304645.

ClinVar aggregate classification (germline): Likely benign. Review status: criteria provided, multiple submitters, no conflicts (2 of 4 stars). 2 submissions from 2 submitters: Likely benign (2). Last evaluated 2025-12-30.

Conditions:
Mendelian susceptibility to mycobacterial diseases due to complete IL12RB1 deficiency. Also called: IL12RB1 DEFICIENCY; Immunodeficiency 30. Identifiers: Orphanet 319552, MedGen C4013949, MONDO:0013955, OMIM 614891.

Allele frequency attached by ClinVar (database versions not stated): 1000 Genomes Project 0.00020; ESP Exome Variant Server 0.00025; 1000 Genomes Project 30x 0.00031; TOPMed 0.00037; gnomAD 0.00043 and 0.00046; gnomAD exomes 0.00057 and 0.00067; ExAC 0.00084.
gnomAD v4.1: 1,031 of 1,586,708 alleles (0.065%); highest among the groups gnomAD compares: Admixed American, 0.13%; no homozygotes.

Submissions (2):

Labcorp Genetics (formerly Invitae), Labcorp
Classification: Likely benign for Mendelian susceptibility to mycobacterial diseases due to complete IL12RB1 deficiency. Last evaluated: 2025-12-30. Review status: criteria provided, single submitter. Criteria: Invitae Variant Classification Sherloc (09022015). Collection method: clinical testing. Allele origin: germline.

Illumina Laboratory Services, Illumina
Classification: Likely benign for Mendelian susceptibility to mycobacterial diseases due to complete IL12RB1 deficiency. Last evaluated: 2018-01-13. Review status: criteria provided, single submitter. Criteria: ICSL Variant Classification Criteria 13 December 2019. Collection method: clinical testing. Allele origin: germline.
Comment: This variant was observed in the ICSL laboratory as part of a predisposition screen in an ostensibly healthy population. It had not been previously curated by ICSL or reported in the Human Gene Mutation Database (HGMD: prior to June 1st, 2018), and was therefore a candidate for classification through an automated scoring system. Utilizing variant allele frequency, disease prevalence and penetrance estimates, and inheritance mode, an automated score was calculated to assess if this variant is too frequent to cause the disease. Based on the score and internal cut-off values, a variant classified as likely benign is not then subjected to further curation. The score for this variant resulted in a classification of likely benign for this disease.